The following is an entry in ClinVar:

NM_000261.2(MYOC):c.1265G>A (p.Arg422His)

Gene: MYOC (myocilin; minus strand). Cytogenetic location: 1q24.3.
Variant type: single nucleotide variant.
Coding change: c.1265G>A on transcript NM_000261.2 (MANE Select); coding-DNA position 1265, G replaced by A.
Protein change: p.Arg422His; replaces arginine 422 with histidine.
Molecular consequence: missense variant.
Genome position (GRCh38, 1-based): chr1:171,636,175, C>T on the plus strand (G>A on the coding strand, the complement: MYOC is on the minus strand). VCF-style: chr1-171636175-C-T. GRCh37 (hg19) VCF-style: chr1-171605315-C-T.
Other names: NM_000261.2:c.1265G>A; short protein forms R422H.
Identifiers: ClinVar variation 1686797 (VCV001686797.4), dbSNP rs201573718, ClinGen allele CA1244052.

ClinVar aggregate classification (germline): Uncertain significance (3 of 4 stars; one submission).

Conditions:
Open-angle glaucoma. Identifiers: MedGen C0017612, MONDO:0005338, HP:0012108.

Allele frequency attached by ClinVar (database versions not stated): gnomAD exomes 0.00002 and 0.00005; gnomAD 0.00006; TOPMed 0.00002; ExAC 0.00003; 1000 Genomes Project 0.00020; 1000 Genomes Project 30x 0.00016.
gnomAD v4.1: 74 of 1,614,162 alleles (0.0046%); highest among the groups gnomAD compares: South Asian, 0.0099%; no homozygotes.

Submission:

ClinGen Glaucoma Variant Curation Expert Panel
Classification: Uncertain significance for Open-angle glaucoma. Last evaluated: 2026-01-20. Review status: reviewed by expert panel. Criteria: ClinGen Glaucoma ACMG Specifications V2.0.0 Approved. Collection method: curation. Allele origin: germline. Inheritance: Autosomal dominant inheritance.
Comment: The c.1265G>A variant in MYOC is a missense variant predicted to cause substitution of Arginine by Histidine at amino acid 422 (p.Arg422His). The highest minor allele frequency of this variant was in the South Asian genetic ancestry group of gnomAD (v4.1.0) = 0.0000988 (9 alleles out of 91,070), which met the ≤ 0.0001 threshold set for PM2_Supporting in a genetic ancestry group of at least 10,000 alleles. The REVEL score = 0.704, which was within the 0.644-0.772 range for PP3, predicting a damaging effect on MYOC function. The Arg422His protein had similar solubility levels compared to wild type myocilin protein in this study (PMID: 10545602). The assay met the OddsPath threshold for BS3_Moderate (< 0.23), indicating that this variant did not impact protein function. Only 1 proband with primary open angle glaucoma had been reported (PMID: 9535666), not meeting the ≥ 2 probands threshold required to meet PS4_Supporting. In summary, this variant met the criteria to receive a score of 0 and to be classified as a variant of uncertain significance (uncertain significance classification range -1 to 5, adapted from PMID: 32720330) for primary open angle glaucoma based on the ACMG/AMP criteria met, as specified by the ClinGen Glaucoma VCEP (v2.0.0, 5 Dec 2024): BS3_Moderate, PP3, PM2_Supporting